The following is an entry in ClinVar:

ClinVar aggregate classification (germline): Uncertain significance (1 of 4 stars; one submission).

Conditions:
Inborn genetic diseases. Identifiers: MedGen C0950123, MeSH D030342.

Submission:

Ambry Genetics
Classification: Uncertain significance for Inborn genetic diseases. Last evaluated: 2019-09-12. Review status: criteria provided, single submitter. Criteria: Ambry Variant Classification Scheme 2023. Collection method: clinical testing. Allele origin: germline.
Comment: The p.E2329K variant (also known as c.6985G>A), located in coding exon 35 of the CHD8 gene, results from a G to A substitution at nucleotide position 6985. The glutamic acid at codon 2329 is replaced by lysine, an amino acid with similar properties. This amino acid position is not well conserved in available vertebrate species. In addition, this alteration is predicted to be tolerated by in silico analysis. Since supporting evidence is limited at this time, the clinical significance of this alteration remains unclear.

NM_001170629.2(CHD8):c.6985G>A (p.Glu2329Lys)

Genes: CHD8 (chromodomain helicase DNA binding protein 8; minus strand), LOC126861888 (CDK7 strongly-dependent group 2 enhancer GRCh37_chr14:21859227-21860426; plus strand). Cytogenetic location: 14q11.2.
Variant type: single nucleotide variant.
Coding change: c.6985G>A on transcript NM_001170629.2 (MANE Select); coding-DNA position 6985, G replaced by A.
Protein change: p.Glu2329Lys; replaces glutamic acid 2329 with lysine.
Molecular consequence: missense variant.
Genome position (GRCh38, 1-based): chr14:21,391,543, C>T on the plus strand (G>A on the coding strand, the complement: CHD8 is on the minus strand). VCF-style: chr14-21391543-C-T. GRCh37 (hg19) VCF-style: chr14-21859702-C-T.
Other names: c.6148G>A, p.Glu2050Lys (NM_020920.4); short protein forms E2050K, E2329K.
Identifiers: ClinVar variation 1756440 (VCV001756440.2), dbSNP rs1555312849, ClinGen allele CA388877158.